The following is an entry in ClinVar:

ClinVar aggregate classification (germline): not provided (0 of 4 stars; one submission).

Conditions:
Familial long QT syndrome (RWS). Also called: Congenital long QT syndrome; Romano-Ward syndrome; VENTRICULAR FIBRILLATION WITH PROLONGED QT INTERVAL. Identifiers: Orphanet 768, MedGen C1141890, MONDO:0019171.

Submission:

Cardiovascular Biomedical Research Unit, Royal Brompton & Harefield NHS Foundation Trust
No classification provided. Condition: Familial long QT syndrome. Review status: no classification provided. Collection method: literature only. Allele origin: germline.
Comment: This variant has been reported as associated with Long QT syndrome in the following publications (PMID:10220144;PMID:10376919;PMID:22373669;PMID:22456477). This is a literature report, and does not necessarily reflect the clinical interpretation of the Imperial College / Royal Brompton Cardiovascular Genetics laboratory.

Literature cited by the submitters: PubMed 10220144; PubMed 10376919; PubMed 22373669; PubMed 22456477; PubMed 22581653.

NM_000218.3(KCNQ1):c.565G>C (p.Gly189Arg)

Gene: KCNQ1 (potassium voltage-gated channel subfamily Q member 1; plus strand). Cytogenetic location: 11p15.5.
Variant type: single nucleotide variant.
Coding change: c.565G>C on transcript NM_000218.3 (MANE Select); coding-DNA position 565, G replaced by C.
Protein change: p.Gly189Arg; replaces glycine 189 with arginine.
Molecular consequence: missense variant.
Genome position (GRCh38, 1-based): chr11:2,570,715, G>C. VCF-style: chr11-2570715-G-C. GRCh37 (hg19) VCF-style: chr11-2591945-G-C.
Other names: c.565G>C (LRG_287t1); c.565G>C, p.Gly189Arg (NM_001406836.1); c.295G>C, p.Gly99Arg (NM_001406837.1); c.184G>C, p.Gly62Arg (NM_181798.2); short protein forms G189R, G62R, G99R.
Identifiers: ClinVar variation 67083 (VCV000067083.3), dbSNP rs104894252, ClinGen allele CA007488.